The following is an entry in ClinVar:

NM_032607.3(CREB3L3):c.557C>T (p.Ser186Leu)

Gene: CREB3L3 (cAMP responsive element binding protein 3 like 3; plus strand). Cytogenetic location: 19p13.3.
Variant type: single nucleotide variant.
Coding change: c.557C>T on transcript NM_032607.3 (MANE Select); coding-DNA position 557, C replaced by T.
Protein change: p.Ser186Leu; replaces serine 186 with leucine.
Molecular consequence: missense variant.
Genome position (GRCh38, 1-based): chr19:4,159,763, C>T. VCF-style: chr19-4159763-C-T. GRCh37 (hg19) VCF-style: chr19-4159760-C-T.
Other names: c.554C>T, p.Ser185Leu (NM_001271995.2); c.557C>T, p.Ser186Leu (NM_001271996.2, NM_001271997.2); short protein forms S186L, S185L.
Identifiers: ClinVar variation 1903376 (VCV001903376.5), dbSNP rs377239800, ClinGen allele CA9091359.

ClinVar aggregate classification (germline): Uncertain significance (1 of 4 stars; one submission).

Allele frequency attached by ClinVar (database versions not stated): gnomAD exomes 0.00001; ExAC 0.00002; ESP Exome Variant Server 0.00008.
gnomAD v4.1: 8 of 1,536,228 alleles (0.00052%); highest among the groups gnomAD compares: Non-Finnish European, 0.00063%; no homozygotes.

Submission:

Labcorp Genetics (formerly Invitae), Labcorp
Classification: Uncertain significance. Last evaluated: 2022-10-10. Review status: criteria provided, single submitter. Criteria: Invitae Variant Classification Sherloc (09022015). Collection method: clinical testing. Allele origin: germline.
Comment: In summary, the available evidence is currently insufficient to determine the role of this variant in disease. Therefore, it has been classified as a Variant of Uncertain Significance. Advanced modeling of protein sequence and biophysical properties (such as structural, functional, and spatial information, amino acid conservation, physicochemical variation, residue mobility, and thermodynamic stability) performed at Invitae indicates that this missense variant is not expected to disrupt CREB3L3 protein function. This variant has not been reported in the literature in individuals affected with CREB3L3-related conditions. This variant is present in population databases (rs377239800, gnomAD 0.01%). This sequence change replaces serine, which is neutral and polar, with leucine, which is neutral and non-polar, at codon 186 of the CREB3L3 protein (p.Ser186Leu).